The following is an entry in ClinVar:

ClinVar aggregate classification (germline): Conflicting classifications of pathogenicity. Review status: criteria provided, conflicting classifications (1 of 4 stars). 6 submissions from 6 submitters: Uncertain significance (1); Benign (1); Likely benign (3). 1 of the submissions does not count toward it. Last evaluated 2026-07-01.

Conditions:
NFKB2-related disorder. Also called: NFKB2-related condition.
Immunodeficiency, common variable, 10. Also called: DEFICIT IN ANTERIOR PITUITARY FUNCTION AND VARIABLE IMMUNODEFICIENCY; IMMUNODEFICIENCY, COMMON VARIABLE, WITH CENTRAL ADRENAL INSUFFICIENCY. Identifiers: MedGen C3809991, MONDO:0014260, OMIM 615577.

Allele frequency attached by ClinVar (database versions not stated): ExAC 0.00056; 1000 Genomes Project 0.00060; 1000 Genomes Project 30x 0.00078; gnomAD exomes 0.00098; TOPMed 0.00119; gnomAD 0.00123 and 0.00125.
gnomAD v4.1: 3,300 of 1,508,150 alleles (0.22%); highest among the groups gnomAD compares: Non-Finnish European, 0.27%; 9 homozygotes.

Submissions (6):

CeGaT Center for Human Genetics Tuebingen
Classification: Benign. Last evaluated: 2026-07-01. Review status: criteria provided, single submitter. Criteria: CeGaT Center For Human Genetics Tuebingen Variant Classification Criteria Version 2. Collection method: clinical testing. Allele origin: germline. Affected: yes. Observed: 7 variant alleles.
Comment: NFKB2: BS1, BS2

Labcorp Genetics (formerly Invitae), Labcorp
Classification: Likely benign for Immunodeficiency, common variable, 10. Last evaluated: 2026-02-01. Review status: criteria provided, single submitter. Criteria: Invitae Variant Classification Sherloc (09022015). Collection method: clinical testing. Allele origin: germline.

Center for Genomic Medicine, Rigshospitalet, Copenhagen University Hospital
Classification: Uncertain significance. Last evaluated: 2025-03-04. Review status: criteria provided, single submitter. Criteria: ACMG Guidelines, 2015. Collection method: clinical testing. Allele origin: germline.

ARUP Laboratories, Molecular Genetics and Genomics, ARUP Laboratories
Classification: Likely benign for Immunodeficiency, common variable, 10. Last evaluated: 2024-11-23. Review status: criteria provided, single submitter. Criteria: ARUP Molecular Germline Variant Investigation Process 2024. Collection method: clinical testing. Allele origin: germline.

Blueprint Genetics
Classification: Likely benign. Last evaluated: 2024-09-10. Review status: criteria provided, single submitter. Criteria: ACMG Guidelines, 2015. Collection method: clinical testing. Allele origin: germline.

PreventionGenetics, part of Exact Sciences
Classification: Likely benign for NFKB2-related condition. Last evaluated: 2022-02-17. Review status: no assertion criteria provided. Collection method: clinical testing. Allele origin: germline. Not counted in ClinVar's aggregate classification.
Comment: This variant is classified as likely benign based on ACMG/AMP sequence variant interpretation guidelines (Richards et al. 2015 PMID: 25741868, with internal and published modifications).

Literature cited by the submitters: PubMed 34093558 (cited by Center for Genomic Medicine, Rigshospitalet, Copenhagen University Hospital).

NM_001322934.2(NFKB2):c.1288C>T (p.Pro430Ser)

Genes: NFKB2 (nuclear factor kappa B subunit 2; plus strand), LOC130004599 (ATAC-STARR-seq lymphoblastoid silent region 2756; plus strand). Cytogenetic location: 10q24.32.
Variant type: single nucleotide variant.
Coding change: c.1288C>T on transcript NM_001322934.2 (MANE Select); coding-DNA position 1288, C replaced by T.
Protein change: p.Pro430Ser; replaces proline 430 with serine.
Molecular consequence: missense variant.
Genome position (GRCh38, 1-based): chr10:102,399,458, C>T. VCF-style: chr10-102399458-C-T. GRCh37 (hg19) VCF-style: chr10-104159215-C-T.
Other names: c.1288C>T, p.Pro430Ser (NM_001077494.3, NM_001261403.3, NM_001288724.1 and 2 more transcripts); c.1162C>T, p.Pro388Ser (NM_001322935.1); short protein forms P430S, P388S.
Identifiers: ClinVar variation 474775 (VCV000474775.47), dbSNP rs202001697, ClinGen allele CA5664792.